The following is an entry in ClinVar:

NM_001256789.3(CACNA1F):c.4771A>T (p.Lys1591Ter)

Genes: CACNA1F (calcium voltage-gated channel subunit alpha1 F; minus strand), LOC126863257 (BRD4-independent group 4 enhancer GRCh37_chrX:49065732-49066931; plus strand). Cytogenetic location: Xp11.23.
Variant type: single nucleotide variant.
Coding change: c.4771A>T on transcript NM_001256789.3 (MANE Select); coding-DNA position 4771, A replaced by T.
Protein change: p.Lys1591Ter; replaces lysine 1591 with a stop codon.
Molecular consequence: nonsense.
Genome position (GRCh38, 1-based): chrX:49,209,679, T>A on the plus strand (A>T on the coding strand, the complement: CACNA1F is on the minus strand). VCF-style: chrX-49209679-T-A. GRCh37 (hg19) VCF-style: chrX-49066139-T-A.
Other names: c.4609A>T, p.Lys1537Ter (NM_001256790.3); c.4804A>T, p.Lys1602Ter (NM_005183.4); short protein forms K1537*, K1591*, K1602*.
Identifiers: ClinVar variation 1410617 (VCV001410617.6), dbSNP rs2147894816, ClinGen allele CA412960246.
Genomic context (GRCh38, chrX:49,209,679, plus strand): 5'-CCCCGAAGACCTGAAGGGCGGAAGAGGTGCTAGGGGCGGCGTCGTTGCCTAGTAGCCCTT[T>A]TTCTTTCCTCCGCCGGAATTTGCGGAAATAGTCCTGGATCAGAAATGTGGCGTAGAATTT-3'

ClinVar aggregate classification (germline): Pathogenic (1 of 4 stars; one submission).

Submission:

Labcorp Genetics (formerly Invitae), Labcorp
Classification: Pathogenic. Last evaluated: 2021-08-14. Review status: criteria provided, single submitter. Criteria: Invitae Variant Classification Sherloc (09022015). Collection method: clinical testing. Allele origin: germline.
Comment: This sequence change creates a premature translational stop signal (p.Lys1602*) in the CACNA1F gene. It is expected to result in an absent or disrupted protein product. Loss-of-function variants in CACNA1F are known to be pathogenic (PMID: 9662399, 11281458, 17525176, 22194652, 24124559, 26992781). This variant is not present in population databases (ExAC no frequency). This premature translational stop signal has been observed in individual(s) with congenital stationary night blindness (PMID: 9662399). This variant is also known as 4771A→T, K1591X. For these reasons, this variant has been classified as Pathogenic.

Literature cited by the submitters: PubMed 9662399; PubMed 11281458; PubMed 17525176; PubMed 22194652; PubMed 24124559; PubMed 26992781.